The following is an entry in ClinVar:

NM_000350.3(ABCA4):c.5019-3_5019-2insCAGTGG

Gene: ABCA4 (ATP binding cassette subfamily A member 4; minus strand). Cytogenetic location: 1p22.1.
Variant type: Insertion.
Coding change: c.5019-3_5019-2insCAGTGG on transcript NM_000350.3 (MANE Select); 3 bases into the intron before coding-DNA position 5019 through the canonical splice acceptor site of the intron before coding-DNA position 5019, CAGTGG inserted.
Molecular consequence: intron variant.
Genome position: GRCh38 VCF-style: chr1-94019761-T-TCCACTG. GRCh37 (hg19) VCF-style: chr1-94485317-T-TCCACTG.
Other names: c.4797-3_4797-2insCAGTGG (NM_001425324.1).
Identifiers: ClinVar variation 3630612 (VCV003630612.2).

ClinVar aggregate classification (germline): Uncertain significance (1 of 4 stars; one submission).

Submission:

Labcorp Genetics (formerly Invitae), Labcorp
Classification: Uncertain significance. Last evaluated: 2024-11-30. Review status: criteria provided, single submitter. Criteria: Invitae Variant Classification Sherloc (09022015). Collection method: clinical testing. Allele origin: germline.
Comment: This sequence change falls in intron 35 of the ABCA4 gene. It does not directly change the encoded amino acid sequence of the ABCA4 protein. It affects a nucleotide within the consensus splice site. This variant is not present in population databases (gnomAD no frequency). This variant has not been reported in the literature in individuals affected with ABCA4-related conditions. Variants that disrupt the consensus splice site are a relatively common cause of aberrant splicing (PMID: 17576681, 9536098). Algorithms developed to predict the effect of sequence changes on RNA splicing suggest that this variant may disrupt the consensus splice site. In summary, the available evidence is currently insufficient to determine the role of this variant in disease. Therefore, it has been classified as a Variant of Uncertain Significance.

Literature cited by the submitters: PubMed 17576681; PubMed 9536098.